The following is an entry in ClinVar:

NM_018684.4(ZC4H2):c.442G>T (p.Glu148Ter)

Gene: ZC4H2 (zinc finger C4H2-type containing; minus strand). Cytogenetic location: Xq11.2.
Variant type: single nucleotide variant.
Coding change: c.442G>T on transcript NM_018684.4 (MANE Select); coding-DNA position 442, G replaced by T.
Protein change: p.Glu148Ter; replaces glutamic acid 148 with a stop codon.
Molecular consequence: nonsense. On other transcripts: non-coding transcript variant (1), intron variant (1).
Genome position (GRCh38, 1-based): chrX:64,919,161, C>A on the plus strand (G>T on the coding strand, the complement: ZC4H2 is on the minus strand). VCF-style: chrX-64919161-C-A. GRCh37 (hg19) VCF-style: chrX-64139041-C-A.
Other names: c.373G>T, p.Glu125Ter (NM_001178032.3, NM_001243804.2); c.398+920G>T (NM_001178033.3); short protein forms E125*, E148*.
Identifiers: ClinVar variation 3899329 (VCV003899329.2).

ClinVar aggregate classification (germline): Pathogenic (1 of 4 stars; one submission).

Conditions:
Wieacker-Wolff syndrome. Also called: MENTAL RETARDATION, X-LINKED, SYNDROMIC 4; MENTAL RETARDATION, X-LINKED, WITH CONGENITAL CONTRACTURES AND LOW FINGERTIP ARCHES; APRAXIA, OCULOMOTOR, WITH CONGENITAL CONTRACTURES AND MUSCLE ATROPHY; CONTRACTURES OF FEET, MUSCLE ATROPHY, AND OCULOMOTOR APRAXIA; Intellectual disability-developmental delay-contractures syndrome; Miles-Carpenter syndrome. Identifiers: Orphanet 3454, Orphanet 85283, MedGen C0796200, MONDO:0010758, OMIM 314580.
Wieacker-Wolff syndrome, female-restricted (WRWFFR). Identifiers: MedGen C5393303, MONDO:0026762, OMIM 301041.

Submission:

Juno Genomics, Hangzhou Juno Genomics, Inc
Classification: Pathogenic for Wieacker-Wolff syndrome; Wieacker-Wolff syndrome, female-restricted. Review status: criteria provided, single submitter. Criteria: ACMG Guidelines, 2015. Collection method: clinical testing. Allele origin: germline. Affected: yes.
Comment: Absent from controls (or at extremely low frequency if recessive) in Genome Aggregation Database, Exome Sequencing Project, 1000 Genomes Project, or Exome Aggregation Consortium.;De novo (both maternity and paternity confirmed) in a patient with the disease and no family history.;Null variant in a gene where loss of function (LOF) is a known mechanism of disease.;Patient's phenotype or family history is highly specific for a disease with a single genetic etiology.